The following is an entry in ClinVar:

ClinVar aggregate classification (germline): Conflicting classifications of pathogenicity. Review status: criteria provided, conflicting classifications (1 of 4 stars). 9 submissions from 8 submitters: Uncertain significance (5); Likely benign (2). 2 of the submissions do not count toward it. Last evaluated 2025-12-11.

Conditions:
BRIP1-related disorder. Also called: BRIP1-related condition; BRIP1-related disorders. Identifiers: MedGen CN239206.
Fanconi anemia complementation group J. Also called: BRIP1-Related Fanconi Anemia. Identifiers: Orphanet 84, MedGen C1836860, MONDO:0012187, OMIM 609054.
Hereditary cancer-predisposing syndrome. Also called: Tumor predisposition; Hereditary Cancer Syndrome; Hereditary neoplastic syndrome; Neoplastic Syndromes, Hereditary. Identifiers: Orphanet 140162, MedGen C0027672, MeSH D009386, MONDO:0015356.
Ovarian cancer. Also called: OVARIAN CANCER, SOMATIC. Identifiers: Orphanet 213500, MedGen C1140680, MONDO:0008170, OMIM 167000.
Familial cancer of breast. Also called: BREAST CANCER, FAMILIAL; hereditary breast carcinoma; Hereditary breast cancer. Identifiers: Orphanet 227535, MedGen C0346153, MONDO:0016419, OMIM 114480. Disease mechanism: loss of function.

Allele frequency attached by ClinVar (database versions not stated): TOPMed below 0.00001; ExAC 0.00001; gnomAD 0.00001; gnomAD exomes 0.00001.
gnomAD v4.1: 4 of 1,614,048 alleles (0.00025%); highest among the groups gnomAD compares: Non-Finnish European, 0.00034%; no homozygotes.

Submissions (9):

Labcorp Genetics (formerly Invitae), Labcorp
Classification: Likely benign for Familial cancer of breast; Fanconi anemia complementation group J. Last evaluated: 2025-12-11. Review status: criteria provided, single submitter. Criteria: Invitae Variant Classification Sherloc (09022015). Collection method: clinical testing. Allele origin: germline.

Ambry Genetics
Classification: Likely benign for Hereditary cancer-predisposing syndrome. Last evaluated: 2025-06-20. Review status: criteria provided, single submitter. Criteria: Ambry Variant Classification Scheme 2023. Collection method: clinical testing. Allele origin: germline.

Color Diagnostics, LLC DBA Color Health
Classification: Uncertain significance for Hereditary cancer-predisposing syndrome. Last evaluated: 2024-06-04. Review status: criteria provided, single submitter. Criteria: ACMG Guidelines, 2015. Collection method: clinical testing. Allele origin: germline.
Comment: This missense variant replaces serine with arginine at codon 1032 of the BRIP1 protein. Computational prediction suggests that this variant may not impact protein structure and function. To our knowledge, functional studies have not been reported for this variant. This variant has not been reported in individuals affected with BRIP1-related disorders in the literature. This variant has not been identified in the general population by the Genome Aggregation Database (gnomAD). The available evidence is insufficient to determine the role of this variant in disease conclusively. Therefore, this variant is classified as a Variant of Uncertain Significance.

PreventionGenetics, part of Exact Sciences
Classification: Uncertain significance for BRIP1-related condition. Last evaluated: 2023-04-27. Review status: criteria provided, single submitter. Criteria: ACMG Guidelines, 2015. Collection method: clinical testing. Allele origin: germline.
Comment: The BRIP1 c.3096T>G variant is predicted to result in the amino acid substitution p.Ser1032Arg. To our knowledge, this variant has not been reported in the literature or in a large population database, indicating this variant is rare. It is interpreted as uncertain significance by the majority of submitters in ClinVar. At this time, the clinical significance of this variant is uncertain due to the absence of conclusive functional and genetic evidence.

Myriad Genetics, Inc.
Classification: Uncertain significance for Familial cancer of breast. Last evaluated: 2023-02-28. Review status: criteria provided, single submitter. Criteria: Myriad Autosomal Dominant, Autosomal Recessive and X-Linked Classification Criteria (2023). Collection method: clinical testing. Allele origin: unknown.
Comment: This variant is classified as a variant of uncertain significance as there is insufficient evidence to determine its impact on protein function and/or cancer risk.

Mendelics
Classification: Uncertain significance. Last evaluated: 2022-05-04. Review status: criteria provided, single submitter. Criteria: Mendelics Assertion Criteria 2019. Collection method: clinical testing. Allele origin: germline.

GeneDx
Classification: Uncertain significance. Last evaluated: 2017-06-19. Review status: criteria provided, single submitter. Criteria: GeneDx Variant Classification (06012015). Collection method: clinical testing. Allele origin: germline. Affected: yes.
Comment: This variant is denoted BRIP1 c.3096T>G at the cDNA level, p.Ser1032Arg (S1032R) at the proteinlevel, and results in the change of a Serine to an Arginine (AGT>AGG). This variant has not, to our knowledge, beenpublished in the literature as pathogenic or benign. BRIP1 Ser1032Arg was not observed at a significant allelefrequency in large population cohorts (NHLBI Exome Sequencing Project, The 1000 Genomes Consortium 2015, Lek2016). Since Serine and Arginine differ in some properties, this is considered a semi-conservative amino acidsubstitution. BRIP1 Ser1032Arg occurs at a position that is not conserved and is located within the BRCA1 bindingdomain (Cantor 2011). In silico analyses predict that this variant is unlikely to alter protein structure or function. Basedon currently available evidence, it is unclear whether BRIP1 Ser1032Arg is a pathogenic or benign variant. Weconsider it to be a variant of uncertain significance.

Counsyl
Classification: Uncertain significance for Fanconi anemia complementation group J. Last evaluated: 2016-07-11. Review status: no assertion criteria provided. Collection method: clinical testing. Allele origin: unknown. Not counted in ClinVar's aggregate classification.

Counsyl
Classification: Uncertain significance for Ovarian cancer. Last evaluated: 2016-07-11. Review status: no assertion criteria provided. Collection method: clinical testing. Allele origin: unknown. Not counted in ClinVar's aggregate classification.

NM_032043.3(BRIP1):c.3096T>G (p.Ser1032Arg)

Gene: BRIP1 (BRCA1 interacting DNA helicase 1; minus strand). Cytogenetic location: 17q23.2.
Variant type: single nucleotide variant.
Coding change: c.3096T>G on transcript NM_032043.3 (MANE Select); coding-DNA position 3096, T replaced by G.
Protein change: p.Ser1032Arg; replaces serine 1032 with arginine.
Molecular consequence: missense variant.
Genome position (GRCh38, 1-based): chr17:61,683,950, A>C on the plus strand (T>G on the coding strand, the complement: BRIP1 is on the minus strand). VCF-style: chr17-61683950-A-C. GRCh37 (hg19) VCF-style: chr17-59761311-A-C.
Other names: short protein forms S1032R.
Identifiers: ClinVar variation 185090 (VCV000185090.28), dbSNP rs763162379, ClinGen allele CA190983.